The following is an entry in ClinVar:

ClinVar aggregate classification (germline): Uncertain significance. Review status: criteria provided, multiple submitters, no conflicts (2 of 4 stars). 2 submissions from 2 submitters: Uncertain significance (2). Last evaluated 2024-10-21.

Conditions:
Joubert syndrome 23 (JBTS23). Identifiers: Orphanet 475, MedGen C4084822, MONDO:0014664, OMIM 616490.
Short-rib thoracic dysplasia 14 with polydactyly (SRTD14). Identifiers: Orphanet 397715, MedGen C4225286, MONDO:0014688, OMIM 616546.

Allele frequency attached by ClinVar (database versions not stated): gnomAD exomes 0.00003; gnomAD 0.00013 and 0.00016; TOPMed 0.00015.
gnomAD v4.1: 31 of 437,268 alleles (0.0071%); highest among the groups gnomAD compares: African/African-American, 0.055%; no homozygotes.

Submissions (2):

GeneDx
Classification: Uncertain significance. Last evaluated: 2024-10-21. Review status: criteria provided, single submitter. Criteria: GeneDx Variant Classification Process June 2021. Collection method: clinical testing. Allele origin: germline. Affected: yes.
Comment: In silico analysis indicates that this missense variant does not alter protein structure/function; Has not been previously published as pathogenic or benign to our knowledge

Labcorp Genetics (formerly Invitae), Labcorp
Classification: Uncertain significance for Joubert syndrome 23; Short-rib thoracic dysplasia 14 with polydactyly. Last evaluated: 2023-12-07. Review status: criteria provided, single submitter. Criteria: Invitae Variant Classification Sherloc (09022015). Collection method: clinical testing. Allele origin: germline.
Comment: This sequence change replaces aspartic acid, which is acidic and polar, with glycine, which is neutral and non-polar, at codon 188 of the KIAA0586 protein (p.Asp188Gly). This variant is present in population databases (no rsID available, gnomAD 0.07%). This variant has not been reported in the literature in individuals affected with KIAA0586-related conditions. ClinVar contains an entry for this variant (Variation ID: 1489760). An algorithm developed to predict the effect of missense changes on protein structure and function (PolyPhen-2) suggests that this variant¬†is likely to be tolerated. In summary, the available evidence is currently insufficient to determine the role of this variant in disease. Therefore, it has been classified as a Variant of Uncertain Significance.

NM_001329943.3(KIAA0586):c.411-1369A>G

Gene: KIAA0586 (KIAA0586; plus strand). Cytogenetic location: 14q23.1.
Variant type: single nucleotide variant.
Coding change: c.411-1369A>G on transcript NM_001329943.3 (MANE Select); 1369 bases into the intron before coding-DNA position 411, A replaced by G.
Molecular consequence: intron variant. On other transcripts: missense variant (2).
Genome position (GRCh38, 1-based): chr14:58,441,337, A>G. VCF-style: chr14-58441337-A-G. GRCh37 (hg19) VCF-style: chr14-58908055-A-G.
Other names: c.563A>G, p.Asp188Gly (NM_001244189.2); c.272A>G, p.Asp91Gly (NM_001244192.2); c.366-1369A>G (NM_001244190.2); c.156-1369A>G (NM_001244191.2, NM_001364701.2, NM_001329945.2 and 1 more transcripts); c.411-1369A>G (NM_001329944.2, NM_001329946.2, NM_001329947.2 and 1 more transcripts); c.-10-1369A>G (NM_001244193.2); c.563A>G (NM_001244189.1); short protein forms D188G, D91G.
Identifiers: ClinVar variation 1489760 (VCV001489760.7), dbSNP rs1044844835, ClinGen allele CA261610352.